The following is an entry in ClinVar:

NM_022437.3(ABCG8):c.-25C>G

Genes: ABCG5 (ATP binding cassette subfamily G member 5; minus strand), ABCG8 (ATP binding cassette subfamily G member 8; plus strand). Cytogenetic location: 2p21.
Variant type: single nucleotide variant.
Coding change: c.-25C>G on transcript NM_022437.3 (MANE Select); 25 bases upstream of the start codon, C replaced by G.
Molecular consequence: 5 prime UTR variant.
Genome position (GRCh38, 1-based): chr2:43,839,029, C>G. VCF-style: chr2-43839029-C-G. GRCh37 (hg19) VCF-style: chr2-44066168-C-G.
Other names: c.-25C>G (NM_001357321.2).
Identifiers: ClinVar variation 3357746 (VCV003357746.1).
Genomic context (GRCh38, chr2:43,839,029, plus strand): 5'-GGAAACAGAGTGAAGACACTGGCCCTGGCAGGCAGCAGCTGGGTCTAAGAGAGCTGCAGC[C>G]CAGGGTCACAGACCTGTGGGCCCCATGGCCGGGAAGGCGGCAGAGGAGAGAGGGCTGCCG-3'

ClinVar aggregate classification (germline): Likely benign (0 of 4 stars; one submission).

Conditions:
ABCG8-related disorder. Also called: ABCG8-related condition.

gnomAD v4.1: 251 of 1,550,156 alleles (0.016%); highest among the groups gnomAD compares: Non-Finnish European, 0.02%; 1 homozygote.

Submission:

PreventionGenetics, part of Exact Sciences
Classification: Likely benign for ABCG8-related condition. Last evaluated: 2024-03-05. Review status: no assertion criteria provided. Collection method: clinical testing. Allele origin: germline.
Comment: This variant is classified as likely benign based on ACMG/AMP sequence variant interpretation guidelines (Richards et al. 2015 PMID: 25741868, with internal and published modifications).